The following is an entry in ClinVar:

NM_005215.4(DCC):c.3073C>G (p.Arg1025Gly)

Gene: DCC (DCC netrin 1 receptor; plus strand). Cytogenetic location: 18q21.2.
Variant type: single nucleotide variant.
Coding change: c.3073C>G on transcript NM_005215.4 (MANE Select); coding-DNA position 3073, C replaced by G.
Protein change: p.Arg1025Gly; replaces arginine 1025 with glycine.
Molecular consequence: missense variant.
Genome position (GRCh38, 1-based): chr18:53,410,589, C>G. VCF-style: chr18-53410589-C-G. GRCh37 (hg19) VCF-style: chr18-50936959-C-G.
Other names: short protein forms R1025G.
Identifiers: ClinVar variation 3080398 (VCV003080398.2), dbSNP rs1909920586, ClinGen allele CA402473156.

ClinVar aggregate classification (germline): Uncertain significance. Review status: criteria provided, multiple submitters, no conflicts (2 of 4 stars). 2 submissions from 2 submitters: Uncertain significance (2). Last evaluated 2026-07-16.

Conditions:
Inborn genetic diseases. Identifiers: MedGen C0950123, MeSH D030342.
DCC-related disorder. Also called: DCC-related condition.

Allele frequency attached by ClinVar (database versions not stated): gnomAD exomes below 0.00001; gnomAD 0.00001.
gnomAD v4.1: 3 of 1,611,024 alleles (0.00019%); highest among the groups gnomAD compares: South Asian, 0.0011%; no homozygotes.

Submissions (2):

PreventionGenetics, part of Exact Sciences
Classification: Uncertain significance for DCC-related condition. Last evaluated: 2026-07-16. Review status: criteria provided, single submitter. Criteria: ACMG Guidelines, 2015. Collection method: clinical testing. Allele origin: germline.
Comment: The DCC c.3073C>G variant is predicted to result in the amino acid substitution p.Arg1025Gly. To our knowledge, this variant has not been reported in the literature or in a large population database (gnomAD), indicating this variant is rare. At this time, the clinical significance of this variant is uncertain due to the absence of conclusive functional and genetic evidence.

Ambry Genetics
Classification: Uncertain significance for Inborn genetic diseases. Last evaluated: 2024-01-04. Review status: criteria provided, single submitter. Criteria: Ambry Variant Classification Scheme 2023. Collection method: clinical testing. Allele origin: germline.